The following is an entry in ClinVar:

ClinVar aggregate classification (germline): Likely benign (0 of 4 stars; one submission).

Conditions:
SEMA3A-related disorder. Also called: SEMA3A-related condition.

gnomAD v4.1: 3 of 1,614,006 alleles (0.00019%); highest among the groups gnomAD compares: Non-Finnish European, 0.00025%; no homozygotes.

Submission:

PreventionGenetics, part of Exact Sciences
Classification: Likely benign for SEMA3A-related condition. Last evaluated: 2024-09-15. Review status: no assertion criteria provided. Collection method: clinical testing. Allele origin: germline.
Comment: This variant is classified as likely benign based on ACMG/AMP sequence variant interpretation guidelines (Richards et al. 2015 PMID: 25741868, with internal and published modifications).

NM_006080.3(SEMA3A):c.861C>T (p.Leu287=)

Gene: SEMA3A (semaphorin 3A; minus strand). Cytogenetic location: 7q21.11.
Variant type: single nucleotide variant.
Coding change: c.861C>T on transcript NM_006080.3 (MANE Select); coding-DNA position 861, C replaced by T.
Protein change: p.Leu287=; no amino-acid change (leucine 287 retained).
Molecular consequence: synonymous variant.
Genome position (GRCh38, 1-based): chr7:84,011,247, G>A on the plus strand (C>T on the coding strand, the complement: SEMA3A is on the minus strand). VCF-style: chr7-84011247-G-A. GRCh37 (hg19) VCF-style: chr7-83640563-G-A.
Identifiers: ClinVar variation 3351297 (VCV003351297.1).